The following is an entry in ClinVar:

NM_004612.4(TGFBR1):c.993T>C (p.His331=)

Gene: TGFBR1 (transforming growth factor beta receptor 1; plus strand). Cytogenetic location: 9q22.33.
Variant type: single nucleotide variant.
Coding change: c.993T>C on transcript NM_004612.4 (MANE Select); coding-DNA position 993, T replaced by C.
Protein change: p.His331=; no amino-acid change (histidine 331 retained).
Molecular consequence: synonymous variant. On other transcripts: non-coding transcript variant (4).
Genome position (GRCh38, 1-based): chr9:99,144,751, T>C. VCF-style: chr9-99144751-T-C. GRCh37 (hg19) VCF-style: chr9-101907033-T-C.
Other names: c.762T>C, p.His254= (NM_001130916.3, NM_001407435.1); c.1005T>C, p.His335= (NM_001306210.2); c.837T>C, p.His279= (NM_001407416.1); c.825T>C, p.His275= (NM_001407417.1); c.798T>C, p.His266= (NM_001407418.1, NM_001407419.1, NM_001407420.1 and 1 more transcripts); c.786T>C, p.His262= (NM_001407423.1, NM_001407424.1, NM_001407425.1 and 8 more transcripts); c.747T>C, p.His249= (NM_001407436.1); c.285T>C, p.His95= (NM_001407437.1); and 1 more.
Identifiers: ClinVar variation 1768680 (VCV001768680.8), dbSNP rs199770942, ClinGen allele CA043744.

ClinVar aggregate classification (germline): Conflicting classifications of pathogenicity. Review status: criteria provided, conflicting classifications (1 of 4 stars). 5 submissions from 5 submitters: Uncertain significance (1); Likely benign (4). Last evaluated 2025-07-03.

Conditions:
Loeys-Dietz syndrome (LDS). Identifiers: Orphanet 60030, MedGen C2697932, MONDO:0018954.
Familial thoracic aortic aneurysm and aortic dissection (TAAD). Also called: Thoracic aortic aneurysms and dissections. Identifiers: Orphanet 91387, MedGen C4707243, MONDO:0019625.

Allele frequency attached by ClinVar (database versions not stated): gnomAD exomes below 0.00001; ExAC 0.00001; TOPMed 0.00001; gnomAD 0.00002.
gnomAD v4.1: 5 of 1,613,790 alleles (0.00031%); highest among the groups gnomAD compares: African/African-American, 0.0027%; no homozygotes.

Submissions (5):

Labcorp Genetics (formerly Invitae), Labcorp
Classification: Likely benign for Familial thoracic aortic aneurysm and aortic dissection. Last evaluated: 2025-07-03. Review status: criteria provided, single submitter. Criteria: Invitae Variant Classification Sherloc (09022015). Collection method: clinical testing. Allele origin: germline.

Women's Health and Genetics/Laboratory Corporation of America, LabCorp
Classification: Likely benign. Last evaluated: 2024-12-06. Review status: criteria provided, single submitter. Criteria: LabCorp Variant Classification Summary - May 2015. Collection method: clinical testing. Allele origin: germline.

Color Diagnostics, LLC DBA Color Health
Classification: Likely benign for Familial thoracic aortic aneurysm and aortic dissection. Last evaluated: 2024-06-12. Review status: criteria provided, single submitter. Criteria: ACMG Guidelines, 2015. Collection method: clinical testing. Allele origin: germline.

All of Us Research Program, National Institutes of Health
Classification: Uncertain significance for Loeys-Dietz syndrome. Last evaluated: 2023-09-04. Review status: criteria provided, single submitter. Criteria: ACMG Guidelines, 2015. Collection method: clinical testing. Allele origin: germline. Inheritance: Autosomal dominant inheritance. Observed: 1 variant allele, 1 heterozygote.
Comment: This variant is located in the TGFBR1 protein. To our knowledge, functional studies have not been reported for this variant. This variant has not been reported in individuals affected with TGFBR1-related disorders in the literature. This variant has been identified in 1/251184 chromosomes in the general population by the Genome Aggregation Database (gnomAD). The available evidence is insufficient to determine the role of this variant in disease conclusively. Therefore, this variant is classified as a Variant of Uncertain Significance.

This study involves interpretation of variants in research participants for the purpose of population health screening. Participant phenotype was not available at the time of variant classification. Additional details can be found in publication PMID: 35346344, PMCID: PMC8962531

Ambry Genetics
Classification: Likely benign for Familial thoracic aortic aneurysm and aortic dissection. Last evaluated: 2020-11-16. Review status: criteria provided, single submitter. Criteria: Ambry Variant Classification Scheme 2023. Collection method: clinical testing. Allele origin: germline.